The following is an entry in ClinVar:

NM_002485.5(NBN):c.703C>T (p.His235Tyr)

Gene: NBN (nibrin; minus strand). Cytogenetic location: 8q21.3.
Variant type: single nucleotide variant.
Coding change: c.703C>T on transcript NM_002485.5 (MANE Select); coding-DNA position 703, C replaced by T.
Protein change: p.His235Tyr; replaces histidine 235 with tyrosine.
Molecular consequence: missense variant.
Genome position (GRCh38, 1-based): chr8:89,970,557, G>A on the plus strand (C>T on the coding strand, the complement: NBN is on the minus strand). VCF-style: chr8-89970557-G-A. GRCh37 (hg19) VCF-style: chr8-90982785-G-A.
Other names: c.457C>T, p.His153Tyr (NM_001024688.3); short protein forms H235Y, H153Y.
Identifiers: ClinVar variation 480050 (VCV000480050.29), dbSNP rs1554564044, ClinGen allele CA371658904.

ClinVar aggregate classification (germline): Uncertain significance. Review status: criteria provided, multiple submitters, no conflicts (2 of 4 stars). 5 submissions from 5 submitters: Uncertain significance (4). 1 of the submissions does not count toward it. Last evaluated 2025-04-03.

Conditions:
Hereditary cancer-predisposing syndrome. Also called: Hereditary neoplastic syndrome; Neoplastic Syndromes, Hereditary; Tumor predisposition; Hereditary Cancer Syndrome. Identifiers: Orphanet 140162, MedGen C0027672, MeSH D009386, MONDO:0015356.
Aplastic anemia. Identifiers: Orphanet 182040, Orphanet 88, MedGen C0002874, MONDO:0015909, OMIM 609135, HP:0001915.
Microcephaly, normal intelligence and immunodeficiency (NBS). Also called: IMMUNODEFICIENCY, MICROCEPHALY, AND CHROMOSOMAL INSTABILITY; SEEMANOVA SYNDROME II; Nijmegen breakage syndrome; Microcephaly with normal intelligence immunodeficiency and lymphoreticular malignancies; Nonsyndromal microcephaly autosomal recessive with normal intelligence; Seemanova syndrome 2. Identifiers: Orphanet 647, MedGen C0398791, MONDO:0009623, OMIM 251260.

Allele frequency attached by ClinVar (database versions not stated): gnomAD 0.00001.
gnomAD v4.1: 1 of 1,612,540 alleles (0.000062%); no homozygotes.

Submissions (5):

Ambry Genetics
Classification: Uncertain significance for Hereditary cancer-predisposing syndrome. Last evaluated: 2025-04-03. Review status: criteria provided, single submitter. Criteria: Ambry Variant Classification Scheme 2023. Collection method: clinical testing. Allele origin: germline.
Comment: The p.H235Y variant (also known as c.703C>T) is located in coding exon 7 of the NBN gene. The histidine at codon 235 is replaced by tyrosine, an amino acid with similar properties. This change occurs in the first base pair of coding exon 7. This amino acid position is well conserved in available vertebrate species. In addition, this alteration is predicted to be tolerated by in silico analysis. Since supporting evidence is limited at this time, the clinical significance of this alteration remains unclear.

Labcorp Genetics (formerly Invitae), Labcorp
Classification: Uncertain significance for Microcephaly, normal intelligence and immunodeficiency. Last evaluated: 2024-04-20. Review status: criteria provided, single submitter. Criteria: Invitae Variant Classification Sherloc (09022015). Collection method: clinical testing. Allele origin: germline.
Comment: This sequence change replaces histidine, which is basic and polar, with tyrosine, which is neutral and polar, at codon 235 of the NBN protein (p.His235Tyr). This variant is not present in population databases (gnomAD no frequency). This variant has not been reported in the literature in individuals affected with NBN-related conditions. ClinVar contains an entry for this variant (Variation ID: 480050). Algorithms developed to predict the effect of missense changes on protein structure and function output the following: SIFT: "Not Available"; PolyPhen-2: "Benign"; Align-GVGD: "Not Available". The tyrosine amino acid residue is found in multiple mammalian species, which suggests that this missense change does not adversely affect protein function. In summary, the available evidence is currently insufficient to determine the role of this variant in disease. Therefore, it has been classified as a Variant of Uncertain Significance.

Baylor Genetics
Classification: Uncertain significance for Aplastic anemia. Last evaluated: 2023-09-28. Review status: criteria provided, single submitter. Criteria: ACMG Guidelines, 2015. Collection method: clinical testing. Allele origin: unknown.

Genome-Nilou Lab
Classification: Uncertain significance for Microcephaly, normal intelligence and immunodeficiency. Last evaluated: 2021-11-07. Review status: criteria provided, single submitter. Criteria: ACMG Guidelines, 2015. Collection method: clinical testing. Allele origin: germline. Affected: no.

Natera, Inc.
Classification: Uncertain significance for Nijmegen breakage syndrome. Last evaluated: 2020-12-16. Review status: no assertion criteria provided. Collection method: clinical testing. Allele origin: germline. Not counted in ClinVar's aggregate classification.